The following is an entry in ClinVar:

ClinVar aggregate classification (germline): Uncertain significance (1 of 4 stars; one submission).

Conditions:
Long QT syndrome (LQTS). Identifiers: MedGen C0023976, MeSH D008133, MONDO:0002442. Disease mechanism: loss of function. Inheritance: Various modes of inheritance.

Submission:

Labcorp Genetics (formerly Invitae), Labcorp
Classification: Uncertain significance for Long QT syndrome. Last evaluated: 2024-02-24. Review status: criteria provided, single submitter. Criteria: Invitae Variant Classification Sherloc (09022015). Collection method: clinical testing. Allele origin: germline.
Comment: This sequence change replaces glycine, which is neutral and non-polar, with tryptophan, which is neutral and slightly polar, at codon 307 of the SNTA1 protein (p.Gly307Trp). This variant is not present in population databases (gnomAD no frequency). This variant has not been reported in the literature in individuals affected with SNTA1-related conditions. Advanced modeling of protein sequence and biophysical properties (such as structural, functional, and spatial information, amino acid conservation, physicochemical variation, residue mobility, and thermodynamic stability) performed at Invitae indicates that this missense variant is not expected to disrupt SNTA1 protein function with a negative predictive value of 80%. In summary, the available evidence is currently insufficient to determine the role of this variant in disease. Therefore, it has been classified as a Variant of Uncertain Significance.

NM_003098.3(SNTA1):c.919G>T (p.Gly307Trp)

Gene: SNTA1 (syntrophin alpha 1; minus strand). Cytogenetic location: 20q11.21.
Variant type: single nucleotide variant.
Coding change: c.919G>T on transcript NM_003098.3 (MANE Select); coding-DNA position 919, G replaced by T.
Protein change: p.Gly307Trp; replaces glycine 307 with tryptophan.
Molecular consequence: missense variant.
Genome position (GRCh38, 1-based): chr20:33,412,417, C>A on the plus strand (G>T on the coding strand, the complement: SNTA1 is on the minus strand). VCF-style: chr20-33412417-C-A. GRCh37 (hg19) VCF-style: chr20-32000223-C-A.
Other names: c.919G>T, p.Gly307Trp (NM_001424413.1, NM_001424414.1); short protein forms G307W.
Identifiers: ClinVar variation 3682240 (VCV003682240.2).
Genomic context (GRCh38, chr20:33,412,417, plus strand): 5'-GAGACAAGTAGAGGAGCAGTTCCTTTTCAGTTAGCAGGGCCAGGGTGGGGGCTGTGCCCC[C>A]ACTGGGCAGCTGCAGAGAACAAAACAGCAGTGAGGATGGGTGGGGGAAGAGAGGGCAGAG-3'
Protein context (NP_003089.1, residues 297-317): IGWLTEQLPS[Gly307Trp]GTAPTLALLT